The following is an entry in ClinVar:

NM_002473.6(MYH9):c.5695G>A (p.Glu1899Lys)

Gene: MYH9 (myosin heavy chain 9; minus strand). Cytogenetic location: 22q12.3.
Variant type: single nucleotide variant.
Coding change: c.5695G>A on transcript NM_002473.6 (MANE Select); coding-DNA position 5695, G replaced by A.
Protein change: p.Glu1899Lys; replaces glutamic acid 1899 with lysine.
Molecular consequence: missense variant.
Genome position (GRCh38, 1-based): chr22:36,284,163, C>T on the plus strand (G>A on the coding strand, the complement: MYH9 is on the minus strand). VCF-style: chr22-36284163-C-T. GRCh37 (hg19) VCF-style: chr22-36680209-C-T.
Other names: short protein forms E1899K.
Identifiers: ClinVar variation 623990 (VCV000623990.46), dbSNP rs747131828, ClinGen allele CA10208962.

ClinVar aggregate classification (germline): Uncertain significance. Review status: criteria provided, multiple submitters, no conflicts (2 of 4 stars). 2 submissions from 2 submitters: Uncertain significance (2). Last evaluated 2025-08-12.

Allele frequency attached by ClinVar (database versions not stated): ExAC 0.00002; gnomAD exomes 0.00002 and 0.00003; gnomAD 0.00003; TOPMed 0.00003.
gnomAD v4.1: 48 of 1,614,042 alleles (0.003%); highest among the groups gnomAD compares: Admixed American, 0.005%; no homozygotes.

Submissions (2):

Labcorp Genetics (formerly Invitae), Labcorp
Classification: Uncertain significance. Last evaluated: 2025-08-12. Review status: criteria provided, single submitter. Criteria: Invitae Variant Classification Sherloc (09022015). Collection method: clinical testing. Allele origin: germline.
Comment: This sequence change replaces glutamic acid, which is acidic and polar, with lysine, which is basic and polar, at codon 1899 of the MYH9 protein (p.Glu1899Lys). This variant is present in population databases (rs747131828, gnomAD 0.006%). This variant has not been reported in the literature in individuals affected with MYH9-related conditions. ClinVar contains an entry for this variant (Variation ID: 623990). Invitae Evidence Modeling of protein sequence and biophysical properties (such as structural, functional, and spatial information, amino acid conservation, physicochemical variation, residue mobility, and thermodynamic stability) has been performed for this missense variant. However, the output from this modeling did not meet the statistical confidence thresholds required to predict the impact of this variant on MYH9 protein function. In summary, the available evidence is currently insufficient to determine the role of this variant in disease. Therefore, it has been classified as a Variant of Uncertain Significance.

CeGaT Center for Human Genetics Tuebingen
Classification: Uncertain significance. Last evaluated: 2018-08-01. Review status: criteria provided, single submitter. Criteria: CeGaT Center For Human Genetics Tuebingen Variant Classification Criteria Version 2. Collection method: clinical testing. Allele origin: germline. Affected: yes. Observed: 3 variant alleles.